The following is an entry in ClinVar:

ClinVar aggregate classification (germline): Uncertain significance (1 of 4 stars; one submission).

Conditions:
Brugada syndrome. Also called: Sudden unexpected nocturnal death syndrome; Sudden Unexplained Death Syndrome; Sudden Unexplained Nocturnal Death Syndrome (SUNDS); Sudden unexplained nocturnal death syndrome. Identifiers: Orphanet 130, MedGen C1142166, MONDO:0015263.

gnomAD v4.1: 3 of 1,583,586 alleles (0.00019%); highest among the groups gnomAD compares: South Asian, 0.0034%; no homozygotes.

Submission:

Labcorp Genetics (formerly Invitae), Labcorp
Classification: Uncertain significance for Brugada syndrome. Last evaluated: 2025-02-05. Review status: criteria provided, single submitter. Criteria: Invitae Variant Classification Sherloc (09022015). Collection method: clinical testing. Allele origin: germline.
Comment: This sequence change replaces valine, which is neutral and non-polar, with isoleucine, which is neutral and non-polar, at codon 122 of the CACNA2D1 protein (p.Val122Ile). The frequency data for this variant in the population databases is considered unreliable, as metrics indicate poor data quality at this position in the gnomAD database. This variant has not been reported in the literature in individuals affected with CACNA2D1-related conditions. An algorithm developed to predict the effect of missense changes on protein structure and function (PolyPhen-2) suggests that this variant is likely to be tolerated. In summary, the available evidence is currently insufficient to determine the role of this variant in disease. Therefore, it has been classified as a Variant of Uncertain Significance.

NM_000722.4(CACNA2D1):c.364G>A (p.Val122Ile)

Gene: CACNA2D1 (calcium voltage-gated channel auxiliary subunit alpha2delta 1; minus strand). Cytogenetic location: 7q21.11.
Variant type: single nucleotide variant.
Coding change: c.364G>A on transcript NM_000722.4 (MANE Select); coding-DNA position 364, G replaced by A.
Protein change: p.Val122Ile; replaces valine 122 with isoleucine.
Molecular consequence: missense variant.
Genome position (GRCh38, 1-based): chr7:82,136,667, C>T on the plus strand (G>A on the coding strand, the complement: CACNA2D1 is on the minus strand). VCF-style: chr7-82136667-C-T. GRCh37 (hg19) VCF-style: chr7-81765983-C-T.
Other names: c.364G>A, p.Val122Ile (NM_001302890.2, NM_001366867.1); short protein forms V122I.
Identifiers: ClinVar variation 3719089 (VCV003719089.2).
Genomic context (GRCh38, chr7:82,136,667, plus strand): 5'-AATTTAATGGAAAACATTTAATACTCACATCGAGATCATCCTTTGCATTGTAGTAGACAA[C>T]TTCATTGCTCTACAAAAAAAAAAGAACGCTTTATTGATTTTAATAAAAACAATACTGTAT-3'
Protein context (NP_000713.2, residues 112-132): QWREDFASNE[Val122Ile]VYYNAKDDLD